The following is an entry in ClinVar:

NM_000051.4(ATM):c.9075G>C (p.Val3025=)

Genes: C11orf65 (chromosome 11 open reading frame 65; minus strand), ATM (ATM serine/threonine kinase; plus strand). Cytogenetic location: 11q22.3.
Variant type: single nucleotide variant.
Coding change: c.9075G>C on transcript NM_000051.4 (MANE Select); coding-DNA position 9075, G replaced by C.
Protein change: p.Val3025=; no amino-acid change (valine 3025 retained).
Molecular consequence: synonymous variant. On other transcripts: intron variant (2).
Genome position (GRCh38, 1-based): chr11:108,365,412, G>C. VCF-style: chr11-108365412-G-C. GRCh37 (hg19) VCF-style: chr11-108236139-G-C.
Other names: c.9075G>C, p.Val3025= (NM_001351834.2); c.640+20508C>G (NM_001330368.2); c.694+20508C>G (NM_001351110.2).
Identifiers: ClinVar variation 3254167 (VCV003254167.1), dbSNP rs1591387520.

ClinVar aggregate classification (germline): Benign (1 of 4 stars; one submission).

Conditions:
Familial cancer of breast. Also called: hereditary breast carcinoma; BREAST CANCER, FAMILIAL; Hereditary breast cancer. Identifiers: Orphanet 227535, MedGen C0346153, MONDO:0016419, OMIM 114480. Disease mechanism: loss of function.

Submission:

Myriad Genetics, Inc.
Classification: Benign for Familial cancer of breast. Last evaluated: 2024-06-24. Review status: criteria provided, single submitter. Criteria: Myriad Autosomal Dominant, Autosomal Recessive and X-Linked Classification Criteria (2023). Collection method: clinical testing. Allele origin: unknown.
Comment: This variant is considered benign. This variant is a silent/synonymous amino acid change and it is not expected to impact splicing.